The following is an entry in ClinVar:

NM_182972.3(IRF2BP2):c.712C>T (p.Pro238Ser)

Genes: IRF2BP2 (interferon regulatory factor 2 binding protein 2; minus strand), LOC129932811 (ATAC-STARR-seq lymphoblastoid silent region 1976; plus strand). Cytogenetic location: 1q42.3.
Variant type: single nucleotide variant.
Coding change: c.712C>T on transcript NM_182972.3 (MANE Select); coding-DNA position 712, C replaced by T.
Protein change: p.Pro238Ser; replaces proline 238 with serine.
Molecular consequence: missense variant.
Genome position (GRCh38, 1-based): chr1:234,608,783, G>A on the plus strand (C>T on the coding strand, the complement: IRF2BP2 is on the minus strand). VCF-style: chr1-234608783-G-A. GRCh37 (hg19) VCF-style: chr1-234744529-G-A.
Other names: c.712C>T, p.Pro238Ser (NM_001077397.1); c.712C>T (NM_182972.2); short protein forms P238S.
Identifiers: ClinVar variation 3021811 (VCV003021811.4), dbSNP rs528788036, ClinGen allele CA1461791.

ClinVar aggregate classification (germline): Uncertain significance. Review status: criteria provided, multiple submitters, no conflicts (2 of 4 stars). 2 submissions from 2 submitters: Uncertain significance (2). Last evaluated 2024-10-29.

Submissions (2):

Ambry Genetics
Classification: Uncertain significance. Last evaluated: 2024-10-29. Review status: criteria provided, single submitter. Criteria: Ambry Variant Classification Scheme 2023. Collection method: clinical testing. Allele origin: germline.

Labcorp Genetics (formerly Invitae), Labcorp
Classification: Uncertain significance. Last evaluated: 2023-06-04. Review status: criteria provided, single submitter. Criteria: Invitae Variant Classification Sherloc (09022015). Collection method: clinical testing. Allele origin: germline.
Comment: In summary, the available evidence is currently insufficient to determine the role of this variant in disease. Therefore, it has been classified as a Variant of Uncertain Significance. An algorithm developed to predict the effect of missense changes on protein structure and function (PolyPhen-2) suggests that this variant is likely to be disruptive. This variant has not been reported in the literature in individuals affected with IRF2BP2-related conditions. This variant is not present in population databases (gnomAD no frequency). This sequence change replaces proline, which is neutral and non-polar, with serine, which is neutral and polar, at codon 238 of the IRF2BP2 protein (p.Pro238Ser).